The following is an entry in ClinVar:

NM_000138.5(FBN1):c.7584C>G (p.Cys2528Trp)

Gene: FBN1 (fibrillin 1; minus strand). Cytogenetic location: 15q21.1.
Variant type: single nucleotide variant.
Coding change: c.7584C>G on transcript NM_000138.5 (MANE Select); coding-DNA position 7584, C replaced by G.
Protein change: p.Cys2528Trp; replaces cysteine 2528 with tryptophan.
Molecular consequence: missense variant.
Genome position (GRCh38, 1-based): chr15:48,421,673, G>C on the plus strand (C>G on the coding strand, the complement: FBN1 is on the minus strand). VCF-style: chr15-48421673-G-C. GRCh37 (hg19) VCF-style: chr15-48713870-G-C.
Other names: c.7584C>G, p.Cys2528Trp (NM_001406716.1); short protein forms C2528W.
Identifiers: ClinVar variation 4538502 (VCV004538502.2).

ClinVar aggregate classification (germline): Pathogenic/Likely pathogenic. Review status: criteria provided, multiple submitters, no conflicts (2 of 4 stars). 2 submissions from 2 submitters: Pathogenic (1); Likely pathogenic (1). Last evaluated 2025-12-19.

Conditions:
Marfan syndrome (MFS). Also called: MARFAN SYNDROME, TYPE I; Marfan syndrome type 1; Marfan's syndrome; Marfan syndrome, classic; FBN1-Related Marfan Syndrome. Identifiers: Orphanet 284963, Orphanet 558, MedGen C0024796, MONDO:0007947, OMIM 154700.
Familial thoracic aortic aneurysm and aortic dissection (TAAD). Also called: Thoracic aortic aneurysms and dissections. Identifiers: Orphanet 91387, MedGen C4707243, MONDO:0019625.

Submissions (2):

Institute of Medical Genetics and Applied Genomics, University Hospital Tübingen
Classification: Likely pathogenic for Marfan syndrome. Last evaluated: 2025-12-19. Review status: criteria provided, single submitter. Criteria: ACMG Guidelines, 2015. Collection method: clinical testing. Allele origin: germline. Inheritance: Autosomal dominant inheritance. Affected: yes.

Labcorp Genetics (formerly Invitae), Labcorp
Classification: Pathogenic for Marfan syndrome; Familial thoracic aortic aneurysm and aortic dissection. Last evaluated: 2025-04-24. Review status: criteria provided, single submitter. Criteria: Invitae Variant Classification Sherloc (09022015). Collection method: clinical testing. Allele origin: germline.
Comment: This sequence change replaces cysteine, which is neutral and slightly polar, with tryptophan, which is neutral and slightly polar, at codon 2528 of the FBN1 protein (p.Cys2528Trp). This variant is not present in population databases (gnomAD no frequency). This variant has not been reported in the literature in individuals affected with FBN1-related conditions. Invitae Evidence Modeling of protein sequence and biophysical properties (such as structural, functional, and spatial information, amino acid conservation, physicochemical variation, residue mobility, and thermodynamic stability) indicates that this missense variant is expected to disrupt FBN1 protein function with a positive predictive value of 95%. This variant affects a cysteine residue in the EGF-like, TGFBP or hybrid motif domains of FBN1. Cysteine residues are believed to be involved in intramolecular disulfide bridges and have been shown to be important for FBN1 protein structure (PMID: 16905551, 19349279). In addition, missense substitutions affecting cysteine residues within these domains are significantly overrepresented among patients with Marfan syndrome (PMID: 16571647, 17701892). This variant disrupts the p.Cys2528 amino acid residue in FBN1. Other variant(s) that disrupt this residue have been observed in individuals with FBN1-related conditions (PMID: 19293843, 27906200, 28973303), which suggests that this may be a clinically significant amino acid residue. For these reasons, this variant has been classified as Pathogenic.

Literature cited by the submitters: PubMed 16905551 (cited by Labcorp Genetics (formerly Invitae), Labcorp); PubMed 19349279 (cited by Labcorp Genetics (formerly Invitae), Labcorp); PubMed 16571647 (cited by Labcorp Genetics (formerly Invitae), Labcorp); PubMed 17701892 (cited by Labcorp Genetics (formerly Invitae), Labcorp); PubMed 19293843 (cited by Labcorp Genetics (formerly Invitae), Labcorp); PubMed 27906200 (cited by Labcorp Genetics (formerly Invitae), Labcorp); PubMed 28973303 (cited by Labcorp Genetics (formerly Invitae), Labcorp).